The following is an entry in ClinVar:

NM_001378183.1(PIEZO2):c.8467T>C (p.Leu2823=)

Gene: PIEZO2 (piezo type mechanosensitive ion channel component 2; minus strand). Cytogenetic location: 18p11.22.
Variant type: single nucleotide variant.
Coding change: c.8467T>C on transcript NM_001378183.1 (MANE Select); coding-DNA position 8467, T replaced by C.
Protein change: p.Leu2823=; no amino-acid change (leucine 2823 retained).
Molecular consequence: synonymous variant.
Genome position (GRCh38, 1-based): chr18:10,671,658, A>G on the plus strand (T>C on the coding strand, the complement: PIEZO2 is on the minus strand). VCF-style: chr18-10671658-A-G. GRCh37 (hg19) VCF-style: chr18-10671655-A-G.
Other names: c.8203T>C, p.Leu2735= (NM_001410871.1); c.8128T>C, p.Leu2710= (NM_022068.4).
Identifiers: ClinVar variation 3239353 (VCV003239353.19), dbSNP rs1274299783.
Genomic context (GRCh38, chr18:10,671,658, plus strand): 5'-AGAGATCTTCTTCTAGCTCCAGTTCTCCTGTCTCTCGAACTAAAAAAATATCTGTGCACA[A>G]CTTCAAAATTCGATCCACATTTGGAAGCTCTTCAAACATGATGGAGTGAGAAATCCCACT-3'
Protein context (NP_001365112.1, residues 2813-2833): ELPNVDRILK[Leu2823=]CTDIFLVRET

ClinVar aggregate classification (germline): Likely benign (1 of 4 stars; one submission).

gnomAD v4.1: 1 of 1,614,074 alleles (0.000062%); no homozygotes.

Submission:

CeGaT Center for Human Genetics Tuebingen
Classification: Likely benign. Last evaluated: 2024-05-01. Review status: criteria provided, single submitter. Criteria: CeGaT Center For Human Genetics Tuebingen Variant Classification Criteria Version 2. Collection method: clinical testing. Allele origin: germline. Affected: yes. Observed: 1 variant allele.
Comment: PIEZO2: PM2:Supporting, BP4, BP7